The following is an entry in ClinVar:

ClinVar aggregate classification (germline): Uncertain significance (1 of 4 stars; one submission).

Submission:

GeneDx
Classification: Uncertain significance. Last evaluated: 2025-05-28. Review status: criteria provided, single submitter. Criteria: GeneDx Variant Classification Process June 2021. Collection method: clinical testing. Allele origin: germline. Affected: yes.
Comment: Not observed at significant frequency in large population cohorts (gnomAD); In silico analysis supports that this missense variant has a deleterious effect on protein structure/function; Has not been previously published as pathogenic or benign to our knowledge

NM_001252102.2(KIF21B):c.4513G>T (p.Asp1505Tyr)

Gene: KIF21B (kinesin family member 21B; minus strand). Cytogenetic location: 1q32.1.
Variant type: single nucleotide variant.
Coding change: c.4513G>T on transcript NM_001252102.2 (MANE Select); coding-DNA position 4513, G replaced by T.
Protein change: p.Asp1505Tyr; replaces aspartic acid 1505 with tyrosine.
Molecular consequence: missense variant.
Genome position (GRCh38, 1-based): chr1:200,975,600, C>A on the plus strand (G>T on the coding strand, the complement: KIF21B is on the minus strand). VCF-style: chr1-200975600-C-A. GRCh37 (hg19) VCF-style: chr1-200944728-C-A.
Other names: c.4513G>T, p.Asp1505Tyr (NM_001252100.2); c.4474G>T, p.Asp1492Tyr (NM_001252103.2, NM_017596.4); short protein forms D1492Y, D1505Y.
Identifiers: ClinVar variation 4532732 (VCV004532732.1).